The following is an entry in ClinVar:

NM_015267.4(CUX2):c.655G>A (p.Ala219Thr)

Gene: CUX2 (cut like homeobox 2; plus strand). Cytogenetic location: 12q24.11.
Variant type: single nucleotide variant.
Coding change: c.655G>A on transcript NM_015267.4 (MANE Select); coding-DNA position 655, G replaced by A.
Protein change: p.Ala219Thr; replaces alanine 219 with threonine.
Molecular consequence: missense variant.
Genome position (GRCh38, 1-based): chr12:111,296,490, G>A. VCF-style: chr12-111296490-G-A. GRCh37 (hg19) VCF-style: chr12-111734294-G-A.
Other names: c.469G>A, p.Ala157Thr (NM_001370598.1); short protein forms A157T, A219T.
Identifiers: ClinVar variation 1308127 (VCV001308127.2), dbSNP rs2136341448, ClinGen allele CA386722249.

ClinVar aggregate classification (germline): Uncertain significance (1 of 4 stars; one submission).

Submission:

GeneDx
Classification: Uncertain significance. Last evaluated: 2020-07-16. Review status: criteria provided, single submitter. Criteria: GeneDx Variant Classification Process June 2021. Collection method: clinical testing. Allele origin: germline. Affected: yes.
Comment: Not observed in large population cohorts (Lek et al., 2016); In silico analysis, which includes protein predictors and evolutionary conservation, supports that this variant does not alter protein structure/function; Has not been previously published as pathogenic or benign to our knowledge